The following is an entry in ClinVar:

ClinVar aggregate classification (germline): Uncertain significance (1 of 4 stars; one submission).

Conditions:
BBS10-related disorder. Also called: BBS10-related condition.

Submission:

PreventionGenetics, part of Exact Sciences
Classification: Uncertain significance for BBS10-related condition. Last evaluated: 2025-09-03. Review status: criteria provided, single submitter. Criteria: ACMG Guidelines, 2015. Collection method: clinical testing. Allele origin: germline.
Comment: The BBS10 c.1915G>T variant is predicted to result in the amino acid substitution p.Gly639Cys. To our knowledge, this variant has not been reported in the literature or in a large population database (gnomAD), indicating this variant is rare. At this time, the clinical significance of this variant is uncertain due to the absence of conclusive functional and genetic evidence.

NM_024685.4(BBS10):c.1915G>T (p.Gly639Cys)

Gene: BBS10 (Bardet-Biedl syndrome 10; minus strand). Cytogenetic location: 12q21.2.
Variant type: single nucleotide variant.
Coding change: c.1915G>T on transcript NM_024685.4 (MANE Select); coding-DNA position 1915, G replaced by T.
Protein change: p.Gly639Cys; replaces glycine 639 with cysteine.
Molecular consequence: missense variant.
Genome position (GRCh38, 1-based): chr12:76,346,070, C>A on the plus strand (G>T on the coding strand, the complement: BBS10 is on the minus strand). VCF-style: chr12-76346070-C-A. GRCh37 (hg19) VCF-style: chr12-76739850-C-A.
Other names: short protein forms G639C.
Identifiers: ClinVar variation 4999412 (VCV004999412.1).